The following is an entry in ClinVar:

ClinVar aggregate classification (germline): Uncertain significance. Review status: criteria provided, multiple submitters, no conflicts (2 of 4 stars). 3 submissions from 3 submitters: Uncertain significance (2). 1 of the submissions does not count toward it. Last evaluated 2025-03-17.

Conditions:
BBS5-related disorder. Also called: BBS5-related condition.
Bardet-Biedl syndrome (BBS). Identifiers: Orphanet 110, MedGen C0752166, MONDO:0015229.

Allele frequency attached by ClinVar (database versions not stated): gnomAD exomes below 0.00001 and 0.00001; TOPMed 0.00002; gnomAD 0.00003; 1000 Genomes Project 30x 0.00016; 1000 Genomes Project 0.00020.
gnomAD v4.1: 13 of 1,613,878 alleles (0.00081%); highest among the groups gnomAD compares: Non-Finnish European, 0.0011%; no homozygotes.

Submissions (3):

Labcorp Genetics (formerly Invitae), Labcorp
Classification: Uncertain significance for Bardet-Biedl syndrome. Last evaluated: 2025-03-17. Review status: criteria provided, single submitter. Criteria: Invitae Variant Classification Sherloc (09022015). Collection method: clinical testing. Allele origin: germline.
Comment: This sequence change replaces glutamic acid, which is acidic and polar, with lysine, which is basic and polar, at codon 270 of the BBS5 protein (p.Glu270Lys). This variant is present in population databases (rs199846010, gnomAD 0.003%). This variant has not been reported in the literature in individuals affected with BBS5-related conditions. ClinVar contains an entry for this variant (Variation ID: 933304). Invitae Evidence Modeling of protein sequence and biophysical properties (such as structural, functional, and spatial information, amino acid conservation, physicochemical variation, residue mobility, and thermodynamic stability) indicates that this missense variant is not expected to disrupt BBS5 protein function with a negative predictive value of 80%. In summary, the available evidence is currently insufficient to determine the role of this variant in disease. Therefore, it has been classified as a Variant of Uncertain Significance.

Blueprint Genetics
Classification: Uncertain significance. Last evaluated: 2021-12-01. Review status: criteria provided, single submitter. Criteria: ACMG Guidelines, 2015. Collection method: clinical testing. Allele origin: germline.

PreventionGenetics, part of Exact Sciences
Classification: Uncertain significance for BBS5-related condition. Last evaluated: 2024-03-22. Review status: no assertion criteria provided. Collection method: clinical testing. Allele origin: germline. Not counted in ClinVar's aggregate classification.
Comment: The BBS5 c.808G>A variant is predicted to result in the amino acid substitution p.Glu270Lys. To our knowledge, this variant has not been reported in the literature. This variant is reported in 0.0015% of alleles in individuals of European (Non-Finnish) descent in gnomAD. At this time, the clinical significance of this variant is uncertain due to the absence of conclusive functional and genetic evidence.

NM_152384.3(BBS5):c.808G>A (p.Glu270Lys)

Gene: BBS5 (Bardet-Biedl syndrome 5; plus strand). Cytogenetic location: 2q31.1.
Variant type: single nucleotide variant.
Coding change: c.808G>A on transcript NM_152384.3 (MANE Select); coding-DNA position 808, G replaced by A.
Protein change: p.Glu270Lys; replaces glutamic acid 270 with lysine.
Molecular consequence: missense variant.
Genome position (GRCh38, 1-based): chr2:169,499,612, G>A. VCF-style: chr2-169499612-G-A. GRCh37 (hg19) VCF-style: chr2-170356122-G-A.
Other names: short protein forms E270K.
Identifiers: ClinVar variation 933304 (VCV000933304.10), dbSNP rs199846010, ClinGen allele CA59936007.
Genomic context (GRCh38, chr2:169,499,612, plus strand): 5'-ATCAATTCACTTCACAAAGTCTATTCTGCCAGTCCCATATTTGGAGTTGATTATGAGATG[G>A]AAGAAAAGGTAATTTGTTGAGTATGTGAAATAAAGTTTGCATTGCTTTATGCAGTCTATA-3'
Protein context (NP_689597.1, residues 260-280): SPIFGVDYEM[Glu270Lys]EKPQPLEALT